The following is an entry in ClinVar:

ClinVar aggregate classification (germline): Benign (3 of 4 stars; one submission).

Conditions:
Breast-ovarian cancer, familial, susceptibility to, 2 (BROVCA2). Also called: BRCA2 Hereditary Breast and Ovarian Cancer. Identifiers: Orphanet 145, MedGen C2675520, MONDO:0012933, OMIM 612555. Disease mechanism: loss of function.

Allele frequency attached by ClinVar (database versions not stated): TOPMed 0.21724; 1000 Genomes Project 30x 0.22673; 1000 Genomes Project 0.23243.
gnomAD v4.1: 33,467 of 151,980 alleles (22%); highest among the groups gnomAD compares: East Asian, 40%; 3,793 homozygotes.

Submission:

Evidence-based Network for the Interpretation of Germline Mutant Alleles (ENIGMA)
Classification: Benign for Breast-ovarian cancer, familial 2. Last evaluated: 2015-01-12. Review status: reviewed by expert panel. Criteria: ENIGMA BRCA1/2 Classification Criteria (2015). Collection method: curation. Allele origin: germline.
Comment: Class 1 not pathogenic based on frequency >1% in an outbred sampleset. Frequency 0.3846 (Asian), 0.1585 (African), 0.219 (European), derived from 1000 genomes (2012-04-30).

NM_000059.4(BRCA2):c.8331+1211A>G

Gene: BRCA2 (BRCA2 DNA repair associated; plus strand). Cytogenetic location: 13q13.1.
Variant type: single nucleotide variant.
Coding change: c.8331+1211A>G on transcript NM_000059.4 (MANE Select); 1211 bases into the intron after coding-DNA position 8331, A replaced by G.
Molecular consequence: intron variant.
Genome position (GRCh38, 1-based): chr13:32,364,744, A>G. VCF-style: chr13-32364744-A-G. GRCh37 (hg19) VCF-style: chr13-32938881-A-G.
Other names: IVS 18+1211A>G.
Identifiers: ClinVar variation 209784 (VCV000209784.1), dbSNP rs11571725, ClinGen allele CA276752.